The following is an entry in ClinVar:

ClinVar aggregate classification (germline): Conflicting classifications of pathogenicity. Review status: criteria provided, conflicting classifications (1 of 4 stars). 13 submissions from 13 submitters: Uncertain significance (5); Benign (1); Likely benign (5). 2 of the submissions do not count toward it. Last evaluated 2026-01-19.

Conditions:
Hereditary cancer-predisposing syndrome. Also called: Hereditary Cancer Syndrome; Tumor predisposition; Neoplastic Syndromes, Hereditary; Hereditary neoplastic syndrome. Identifiers: Orphanet 140162, MedGen C0027672, MeSH D009386, MONDO:0015356.
Hereditary breast ovarian cancer syndrome. Also called: Breast and ovarian cancer; BRCA1- and BRCA2-Associated Hereditary Breast and Ovarian Cancer; Hereditary breast and ovarian cancer; Hereditary breast and ovarian cancer syndrome (HBOC); Hereditary breast and ovarian cancer syndrome; Hereditary breast and/or ovarian cancer syndrome. Identifiers: Orphanet 145, MedGen C0677776, MeSH D061325, MONDO:0003582. Disease mechanism: loss of function.
Breast-ovarian cancer, familial, susceptibility to, 2 (BROVCA2). Also called: BRCA2 Hereditary Breast and Ovarian Cancer. Identifiers: Orphanet 145, MedGen C2675520, MONDO:0012933, OMIM 612555. Disease mechanism: loss of function.
Malignant tumor of breast. Also called: Malignant breast neoplasm; Cancer breast. Identifiers: MedGen C0006142, MONDO:0007254. Disease mechanism: loss of function.

Allele frequency attached by ClinVar (database versions not stated): gnomAD 0.00002; TOPMed 0.00002.
gnomAD v4.1: 11 of 1,603,250 alleles (0.00069%); highest among the groups gnomAD compares: South Asian, 0.0045%; no homozygotes.

Submissions (13):

Women's Health and Genetics/Laboratory Corporation of America, LabCorp
Classification: Uncertain significance. Last evaluated: 2026-01-19. Review status: criteria provided, single submitter. Criteria: LabCorp Variant Classification Summary - May 2015. Collection method: clinical testing. Allele origin: germline.
Comment: Variant summary: BRCA2 c.4178C>T (p.Ala1393Val) results in a non-conservative amino acid change in the encoded protein sequence. Algorithms developed to predict the effect of missense changes on protein structure and function are either unavailable or do not agree on the potential impact of this missense change. The variant allele was found at a frequency of 1.1e-05 in 266090 control chromosomes. The available data on variant occurrences in the general population are insufficient to allow any conclusion about variant significance. c.4178C>T has been observed in individuals affected with cancers including breast, colorectal, and stomach cancers (e.g. Kim_2019, Fujita_2020, Guo_2020, Kuick_2022, Watson_2023, Feng_2023), however, was also reported in unaffected controls (e.g. Momozawa_2018, Dorling_2021, Okinawa_2023). These report(s) do not provide unequivocal conclusions about association of the variant with Hereditary Breast And Ovarian Cancer Syndrome. Co-occurrences with other pathogenic variant(s) have been reported (BRCA2 c.3847_3848del, p.V1283Kfs*2; Feng_2023), providing supporting evidence for a benign role. To our knowledge, no experimental evidence demonstrating an impact on protein function has been reported. The following publications have been ascertained in the context of this evaluation (PMID: 25583476, 28301460, 30287823, 24705251, 31161121, 31837001, 33309985, 33471991, 37116400, 35768791, 36243179, 37760409). ClinVar contains an entry for this variant (Variation ID: 89047). Based on the evidence outlined above, the variant was classified as VUS-possibly benign.

Labcorp Genetics (formerly Invitae), Labcorp
Classification: Uncertain significance for Hereditary breast ovarian cancer syndrome. Last evaluated: 2025-12-02. Review status: criteria provided, single submitter. Criteria: Invitae Variant Classification Sherloc (09022015). Collection method: clinical testing. Allele origin: germline.
Comment: This sequence change replaces alanine, which is neutral and non-polar, with valine, which is neutral and non-polar, at codon 1393 of the BRCA2 protein (p.Ala1393Val). The frequency data for this variant in the population databases is considered unreliable, as metrics indicate poor data quality at this position in the gnomAD database. This variant has not been reported in the literature in individuals affected with BRCA2-related conditions. ClinVar contains an entry for this variant (Variation ID: 89047). Invitae Evidence Modeling of protein sequence and biophysical properties (such as structural, functional, and spatial information, amino acid conservation, physicochemical variation, residue mobility, and thermodynamic stability) indicates that this missense variant is not expected to disrupt BRCA2 protein function with a negative predictive value of 95%. In summary, the available evidence is currently insufficient to determine the role of this variant in disease. Therefore, it has been classified as a Variant of Uncertain Significance.

Quest Diagnostics Nichols Institute San Juan Capistrano
Classification: Uncertain significance. Last evaluated: 2025-08-15. Review status: criteria provided, single submitter. Criteria: Quest Diagnostics criteria. Collection method: clinical testing. Allele origin: unknown.
Comment: The BRCA2 c.4178C>T (p.Ala1393Val) variant has been reported in the published literature in individuals with gastric adenocarcinoma (PMID: 25583476 (2015)), colorectal cancer (PMID: 33309985 (2020)), glioma (PMID: 24705251 (2014)), breast cancer (PMID: 31161121 (2019), 31837001 (2020)), and in reportedly unaffected individuals (PMID: 30287823 (2018), 33471991 (2021), see also LOVD). This variant is located in a region of the BRCA2 gene that is described to be tolerant to missense sequence changes (PMID: 31911673 (2020)). The frequency of this variant in the general population (Genome Aggregation Database) is uninformative in the assessment of its pathogenicity. Analysis of this variant using bioinformatics tools for the prediction of the effect of amino acid changes on protein structure and function yielded predictions that this variant is benign. Based on the available information, we are unable to determine the clinical significance of this variant.

Center for Genomic Medicine, Rigshospitalet, Copenhagen University Hospital
Classification: Likely benign. Last evaluated: 2025-03-04. Review status: criteria provided, single submitter. Criteria: ACMG Guidelines, 2015. Collection method: clinical testing. Allele origin: germline.

ARUP Laboratories, Molecular Genetics and Genomics, ARUP Laboratories
Classification: Likely benign. Last evaluated: 2024-01-15. Review status: criteria provided, single submitter. Criteria: ARUP Molecular Germline Variant Investigation Process 2024. Collection method: clinical testing. Allele origin: germline.

University of Washington Department of Laboratory Medicine, University of Washington
Classification: Likely benign for Hereditary cancer-predisposing syndrome. Last evaluated: 2023-03-23. Review status: criteria provided, single submitter. Criteria: Dines et al. (Genet Med. 2020). Collection method: curation. Allele origin: germline.
Comment: Missense variant in a coldspot region where missense variants are very unlikely to be pathogenic (PMID:31911673).

BRCA2 exon 11 coldspot. Reclassification based on statistical prior probability.

CeGaT Center for Human Genetics Tuebingen
Classification: Uncertain significance. Last evaluated: 2022-11-01. Review status: criteria provided, single submitter. Criteria: CeGaT Center For Human Genetics Tuebingen Variant Classification Criteria Version 2. Collection method: clinical testing. Allele origin: germline. Affected: yes. Observed: 1 variant allele.
Comment: BRCA2: PM2, BP4

Sema4
Classification: Uncertain significance for Hereditary cancer-predisposing syndrome. Last evaluated: 2021-11-17. Review status: criteria provided, single submitter. Criteria: Sema4 Curation Guidelines. Collection method: curation. Allele origin: germline.
Comment: The BRCA2 c.4178C>T (p.A1393V) variant has been reported in 1 individual with childhood glioblastoma (PMID: 24705251), as well as in the healthy male control cohort of a study testing for germline variants in breast cancer (PMID: 30287823). It has also been reported in 1/53,461 controls but not in breast cancer cases in a large dataset of 60,466 women with breast cancer (PMID 33471991). This variant was observed in 1/15664 chromosomes in the African/African American population according to the Genome Aggregation Database (PMID: 32461654). This variant has been reported in ClinVar (Variation ID 89047). Functional studies have not been performed, and in silico predictions of the variant's effect on protein function are inconclusive. The overall evidence is insufficient to meet ACMG/AMP criteria for classifying it as benign or pathogenic. In summary, the clinical significance of this variant is currently uncertain.

GeneDx
Classification: Likely benign. Last evaluated: 2020-10-27. Review status: criteria provided, single submitter. Criteria: GeneDx Variant Classification Process June 2021. Collection method: clinical testing. Allele origin: germline. Affected: yes.
Comment: Not observed at a significant frequency in large population cohorts (Lek et al., 2016); This variant is associated with the following publications: (PMID: 25583476, 28301460, 30287823)

Ambry Genetics
Classification: Likely benign for Hereditary cancer-predisposing syndrome. Last evaluated: 2019-04-16. Review status: criteria provided, single submitter. Criteria: Ambry Variant Classification Scheme 2023. Collection method: clinical testing. Allele origin: germline.

Color Diagnostics, LLC DBA Color Health
Classification: Benign for Hereditary cancer-predisposing syndrome. Last evaluated: 2017-02-14. Review status: criteria provided, single submitter. Criteria: ACMG Guidelines, 2015. Collection method: clinical testing. Allele origin: germline.

Counsyl
Classification: Uncertain significance for Breast-ovarian cancer, familial, susceptibility to, 2. Last evaluated: 2016-03-08. Review status: no assertion criteria provided. Collection method: clinical testing. Allele origin: unknown. Not counted in ClinVar's aggregate classification.

Department of Pathology and Laboratory Medicine, Sinai Health System
Classification: Uncertain significance for Malignant tumor of breast. Review status: no assertion criteria provided. Collection method: clinical testing. Allele origin: unknown. Affected: yes. Study: The Canadian Open Genetics Repository (COGR). Not counted in ClinVar's aggregate classification.
Comment: The BRCA2 p.Ala1393Val variant was identified in 1 of 684 proband chromosomes (frequency: 0.001) from individuals with gastric cancer and was present in 2 of 24,980 control chromosomes (frequency: 0.0008) from healthy individuals (Chen 2015, Momozawa 2018). The variant was identified in dbSNP (rs398122776) as â€šÃ„Ãºwith uncertain significance alleleâ€šÃ„Ã¹, in ClinVar (interpreted as "uncertain significance" by Invitae and 2 others, "likely benign" by Ambry Genetics and 1 other and "benign" by Color), LOVD 3.0 (observed 3x) and UMD-LSDB (observed 5x). The variant was identified in control databases in 1 of 236,638 chromosomes at a frequency of 0.000004 (Genome Aggregation Database Feb 27, 2017). The variant was observed in the following populations: African in 1 of 15,100 chromosomes (freq: 0.00007), but not in the Other, Latino, European, Ashkenazi Jewish, East Asian, Finnish, and South Asian populations. The p.Ala1393 residue is not conserved in mammals and computational analyses (PolyPhen-2, SIFT, AlignGVGD, BLOSUM, MutationTaster) do not suggest a high likelihood of impact to the protein; however, this information is not predictive enough to rule out pathogenicity. The variant occurs outside of the splicing consensus sequence and in silico or computational prediction software programs (SpliceSiteFinder, MaxEntScan, NNSPLICE, GeneSplicer) do not predict a difference in splicing. In summary, based on the above information the clinical significance of this variant cannot be determined with certainty at this time. This variant is classified as a variant of uncertain significance.

Literature cited by the submitters: PubMed 25583476 (cited by 3 submitters); PubMed 28301460 (cited by Women's Health and Genetics/Laboratory Corporation of America, LabCorp); PubMed 30287823 (cited by 3 submitters); PubMed 24705251 (cited by 3 submitters); PubMed 31161121 (cited by Women's Health and Genetics/Laboratory Corporation of America, LabCorp and Quest Diagnostics Nichols Institute San Juan Capistrano); PubMed 31837001 (cited by Women's Health and Genetics/Laboratory Corporation of America, LabCorp and Quest Diagnostics Nichols Institute San Juan Capistrano); PubMed 33309985 (cited by Women's Health and Genetics/Laboratory Corporation of America, LabCorp and Quest Diagnostics Nichols Institute San Juan Capistrano); PubMed 33471991 (cited by 3 submitters); PubMed 36243179 (cited by Women's Health and Genetics/Laboratory Corporation of America, LabCorp); PubMed 37116400 (cited by Women's Health and Genetics/Laboratory Corporation of America, LabCorp); PubMed 35768791 (cited by Women's Health and Genetics/Laboratory Corporation of America, LabCorp); PubMed 37760409 (cited by Women's Health and Genetics/Laboratory Corporation of America, LabCorp); PubMed 31911673 (cited by Quest Diagnostics Nichols Institute San Juan Capistrano).

NM_000059.4(BRCA2):c.4178C>T (p.Ala1393Val)

Gene: BRCA2 (BRCA2 DNA repair associated; plus strand). Cytogenetic location: 13q13.1.
Variant type: single nucleotide variant.
Coding change: c.4178C>T on transcript NM_000059.4 (MANE Select); coding-DNA position 4178, C replaced by T.
Protein change: p.Ala1393Val; replaces alanine 1393 with valine.
Molecular consequence: missense variant.
Genome position (GRCh38, 1-based): chr13:32,338,533, C>T. VCF-style: chr13-32338533-C-T. GRCh37 (hg19) VCF-style: chr13-32912670-C-T.
Other names: p.A1393V:GCG>GTG; short protein forms A1393V.
Identifiers: ClinVar variation 89047 (VCV000089047.52), dbSNP rs398122776, ClinGen allele CA019676.
Genomic context (GRCh38, chr13:32,338,533, plus strand): 5'-TGAAGGAGGGAAACACTCAGATTAAAGAAGATTTGTCAGATTTAACTTTTTTGGAAGTTG[C>T]GAAAGCTCAAGAAGCATGTCATGGTAATACTTCAAATAAAGAACAGTTAACTGCTACTAA-3'
Protein context (NP_000050.3, residues 1383-1403): DLSDLTFLEV[Ala1393Val]KAQEACHGNT